The following is an entry in ClinVar:

NM_032581.4(HYCC1):c.1423G>A (p.Gly475Arg)

Gene: HYCC1 (hyccin PI4KA lipid kinase complex subunit 1; minus strand). Cytogenetic location: 7p15.3.
Variant type: single nucleotide variant.
Coding change: c.1423G>A on transcript NM_032581.4 (MANE Select); coding-DNA position 1423, G replaced by A.
Protein change: p.Gly475Arg; replaces glycine 475 with arginine.
Molecular consequence: missense variant. On other transcripts: 3 prime UTR variant (2).
Genome position (GRCh38, 1-based): chr7:22,945,732, C>T on the plus strand (G>A on the coding strand, the complement: HYCC1 is on the minus strand). VCF-style: chr7-22945732-C-T. GRCh37 (hg19) VCF-style: chr7-22985351-C-T.
Other names: c.*459G>A (NM_001363466.2); c.*417G>A (NM_001363467.2); short protein forms G475R.
Identifiers: ClinVar variation 1448757 (VCV001448757.3), dbSNP rs1222195168, ClinGen allele CA366969751.
Genomic context (GRCh38, chr7:22,945,732, plus strand): 5'-AAACGTAAATAAGCTTTTCTTCTTGGAGACTACAAGCGGAAAACCTATTGGCATCTGTCC[C>T]AGCCCCACAACCAACAGCAGATGACGGGTTATGTGGGACTGTGACACCACTGACTTGTTC-3'
Protein context (NP_115970.2, residues 465-485): NPSSAVGCGA[Gly475Arg]TDANRFSACS

ClinVar aggregate classification (germline): Uncertain significance (1 of 4 stars; one submission).

Conditions:
Hypomyelination and Congenital Cataract (HLD5). Also called: hypomyelinating leukodystrophy 5. Identifiers: Orphanet 85163, MedGen C1864663, MONDO:0012514, OMIM 610532.

Allele frequency attached by ClinVar (database versions not stated): gnomAD exomes below 0.00001; TOPMed below 0.00001; gnomAD 0.00001.
gnomAD v4.1: 2 of 1,613,672 alleles (0.00012%); highest among the groups gnomAD compares: Middle Eastern, 0.016%; no homozygotes.

Submission:

Labcorp Genetics (formerly Invitae), Labcorp
Classification: Uncertain significance for Hypomyelination and Congenital Cataract. Last evaluated: 2022-07-18. Review status: criteria provided, single submitter. Criteria: Invitae Variant Classification Sherloc (09022015). Collection method: clinical testing. Allele origin: germline.
Comment: This sequence change replaces glycine, which is neutral and non-polar, with arginine, which is basic and polar, at codon 475 of the FAM126A protein (p.Gly475Arg). This variant is not present in population databases (gnomAD no frequency). This variant has not been reported in the literature in individuals affected with FAM126A-related conditions. ClinVar contains an entry for this variant (Variation ID: 1448757). Algorithms developed to predict the effect of missense changes on protein structure and function are either unavailable or do not agree on the potential impact of this missense change (SIFT: "Tolerated"; PolyPhen-2: "Possibly Damaging"; Align-GVGD: "Class C0"). Algorithms developed to predict the effect of sequence changes on RNA splicing suggest that this variant may create or strengthen a splice site. In summary, the available evidence is currently insufficient to determine the role of this variant in disease. Therefore, it has been classified as a Variant of Uncertain Significance.